The following is an entry in ClinVar:

NM_000038.6(APC):c.6419C>G (p.Ser2140Ter)

Gene: APC (APC regulator of Wnt signaling pathway; plus strand). Cytogenetic location: 5q22.2.
Variant type: single nucleotide variant.
Coding change: c.6419C>G on transcript NM_000038.6 (MANE Select); coding-DNA position 6419, C replaced by G.
Protein change: p.Ser2140Ter; replaces serine 2140 with a stop codon.
Molecular consequence: nonsense. On other transcripts: non-coding transcript variant (2).
Genome position (GRCh38, 1-based): chr5:112,842,013, C>G. VCF-style: chr5-112842013-C-G. GRCh37 (hg19) VCF-style: chr5-112177710-C-G.
Other names: c.6419C>G, p.Ser2140Ter (NM_001127510.3, NM_001354895.2, NM_001407450.1); c.6365C>G, p.Ser2122Ter (NM_001127511.3); c.6473C>G, p.Ser2158Ter (NM_001354896.2, NM_001407447.1, NM_001407448.1 and 1 more transcripts); c.6449C>G, p.Ser2150Ter (NM_001354897.2); c.6344C>G, p.Ser2115Ter (NM_001354898.2); c.6335C>G, p.Ser2112Ter (NM_001354899.2); c.6296C>G, p.Ser2099Ter (NM_001354900.2); c.6242C>G, p.Ser2081Ter (NM_001354901.2, NM_001407453.1); and 11 more; short protein forms S1756*, S1857*, S1980*, S2011*, S2014*, S2039*, S2049*, S2057*.
Identifiers: ClinVar variation 2584278 (VCV002584278.1), dbSNP rs2149964478, ClinGen allele CA16035383.
Genomic context (GRCh38, chr5:112,842,013, plus strand): 5'-CTGCTGCATGTTTATCTAGACAAGCTTCGTCTGATTCAGATTCCATCCTTTCCCTGAAAT[C>G]AGGAATCTCTCTGGGATCACCATTTCATCTTACACCTGATCAAGAAGAAAAACCCTTTAC-3'

ClinVar aggregate classification (germline): Pathogenic (1 of 4 stars; one submission).

Conditions:
Familial adenomatous polyposis 1 (FAP1). Also called: FAMILIAL ADENOMATOUS POLYPOSIS 1, ATTENUATED; POLYPOSIS, ADENOMATOUS INTESTINAL. Identifiers: MedGen C2713442, MONDO:0021056, OMIM 175100. Disease mechanism: loss of function.

Submission:

Myriad Genetics, Inc.
Classification: Pathogenic for Familial adenomatous polyposis 1. Last evaluated: 2023-05-15. Review status: criteria provided, single submitter. Criteria: Myriad Autosomal Dominant, Autosomal Recessive and X-Linked Classification Criteria (2023). Collection method: clinical testing. Allele origin: unknown.
Comment: This variant is considered pathogenic. This variant creates a termination codon and is predicted to result in premature protein truncation.